The following is an entry in ClinVar:

NM_005902.4(SMAD3):c.943G>A (p.Val315Ile)

Gene: SMAD3 (SMAD family member 3; plus strand). Cytogenetic location: 15q22.33.
Variant type: single nucleotide variant.
Coding change: c.943G>A on transcript NM_005902.4 (MANE Select); coding-DNA position 943, G replaced by A.
Protein change: p.Val315Ile; replaces valine 315 with isoleucine.
Molecular consequence: missense variant. On other transcripts: intron variant (1).
Genome position (GRCh38, 1-based): chr15:67,184,798, G>A. VCF-style: chr15-67184798-G-A. GRCh37 (hg19) VCF-style: chr15-67477136-G-A.
Other names: c.943G>A (NM_005902.3); c.628G>A, p.Val210Ile (NM_001145102.2, NM_001407016.1); c.811G>A, p.Val271Ile (NM_001145103.2, NM_001407012.1); c.358G>A, p.Val120Ile (NM_001145104.2, NM_001407017.1); c.943G>A, p.Val315Ile (NM_001407011.1); c.796G>A, p.Val266Ile (NM_001407014.1); c.496G>A, p.Val166Ile (NM_001407015.1); c.872-2567G>A (NM_001407013.1); short protein forms V210I, V166I, V315I, V266I, V271I, V120I.
Identifiers: ClinVar variation 2906167 (VCV002906167.4), dbSNP rs1468779374, ClinGen allele CA392957019.
Genomic context (GRCh38, chr15:67,184,798, plus strand): 5'-CGGCTCTACTACATCGGAGGGGAGGTCTTCGCAGAGTGCCTCAGTGACAGCGCTATTTTT[G>A]TCCAGTCTCCCAACTGTAACCAGCGCTATGGCTGGCACCCGGCCACCGTCTGCAAGATCC-3'
Protein context (NP_005893.1, residues 305-325): AECLSDSAIF[Val315Ile]QSPNCNQRYG

ClinVar aggregate classification (germline): Uncertain significance. Review status: criteria provided, multiple submitters, no conflicts (2 of 4 stars). 2 submissions from 2 submitters: Uncertain significance (2). Last evaluated 2024-11-19.

Conditions:
Familial thoracic aortic aneurysm and aortic dissection (TAAD). Also called: Thoracic aortic aneurysms and dissections. Identifiers: Orphanet 91387, MedGen C4707243, MONDO:0019625.

Allele frequency attached by ClinVar (database versions not stated): TOPMed 0.00001.
gnomAD v4.1: 3 of 1,613,848 alleles (0.00019%); highest among the groups gnomAD compares: Non-Finnish European, 0.00025%; no homozygotes.

Submissions (2):

GeneDx
Classification: Uncertain significance. Last evaluated: 2024-11-19. Review status: criteria provided, single submitter. Criteria: GeneDx Variant Classification Process June 2021. Collection method: clinical testing. Allele origin: germline. Affected: yes.
Comment: Has not been previously published as pathogenic or benign to our knowledge; Not observed at significant frequency in large population cohorts (gnomAD); In silico analysis indicates that this missense variant does not alter protein structure/function

Labcorp Genetics (formerly Invitae), Labcorp
Classification: Uncertain significance for Familial thoracic aortic aneurysm and aortic dissection. Last evaluated: 2023-12-05. Review status: criteria provided, single submitter. Criteria: Invitae Variant Classification Sherloc (09022015). Collection method: clinical testing. Allele origin: germline.
Comment: This sequence change replaces valine, which is neutral and non-polar, with isoleucine, which is neutral and non-polar, at codon 315 of the SMAD3 protein (p.Val315Ile). This variant is not present in population databases (gnomAD no frequency). This variant has not been reported in the literature in individuals affected with SMAD3-related conditions. Advanced modeling of protein sequence and biophysical properties (such as structural, functional, and spatial information, amino acid conservation, physicochemical variation, residue mobility, and thermodynamic stability) performed at Invitae indicates that this missense variant is not expected to disrupt SMAD3 protein function with a negative predictive value of 80%. In summary, the available evidence is currently insufficient to determine the role of this variant in disease. Therefore, it has been classified as a Variant of Uncertain Significance.